The following is an entry in ClinVar:

NM_014994.3(MAPKBP1):c.1711+10G>A

Gene: MAPKBP1 (mitogen-activated protein kinase binding protein 1; plus strand). Cytogenetic location: 15q15.1.
Variant type: single nucleotide variant.
Coding change: c.1711+10G>A on transcript NM_014994.3 (MANE Select); 10 bases into the intron after coding-DNA position 1711, G replaced by A.
Molecular consequence: intron variant.
Genome position (GRCh38, 1-based): chr15:41,817,045, G>A. VCF-style: chr15-41817045-G-A. GRCh37 (hg19) VCF-style: chr15-42109243-G-A.
Other names: c.1729+10G>A (NM_001128608.2); c.1711+10G>A (NM_001265611.2).
Identifiers: ClinVar variation 1936446 (VCV001936446.5), dbSNP rs771221921, ClinGen allele CA7497902.

ClinVar aggregate classification (germline): Uncertain significance (1 of 4 stars; one submission).

Allele frequency attached by ClinVar (database versions not stated): gnomAD exomes below 0.00001; ExAC 0.00002; TOPMed 0.00002.
gnomAD v4.1: 2 of 1,573,730 alleles (0.00013%); highest among the groups gnomAD compares: East Asian, 0.0045%; no homozygotes.

Submission:

Labcorp Genetics (formerly Invitae), Labcorp
Classification: Uncertain significance. Last evaluated: 2022-07-23. Review status: criteria provided, single submitter. Criteria: Invitae Variant Classification Sherloc (09022015). Collection method: clinical testing. Allele origin: germline.
Comment: This variant is present in population databases (rs771221921, gnomAD 0.03%). This sequence change falls in intron 15 of the MAPKBP1 gene. It does not directly change the encoded amino acid sequence of the MAPKBP1 protein. This variant has not been reported in the literature in individuals affected with MAPKBP1-related conditions. In summary, the available evidence is currently insufficient to determine the role of this variant in disease. Therefore, it has been classified as a Variant of Uncertain Significance. Algorithms developed to predict the effect of sequence changes on RNA splicing suggest that this variant may create or strengthen a splice site.